The following is an entry in ClinVar:

ClinVar aggregate classification (germline): Uncertain significance. Review status: criteria provided, multiple submitters, no conflicts (2 of 4 stars). 2 submissions from 2 submitters: Uncertain significance (2). Last evaluated 2025-08-27.

Conditions:
Inborn genetic diseases. Identifiers: MedGen C0950123, MeSH D030342.

Allele frequency attached by ClinVar (database versions not stated): ExAC 0.00001; gnomAD 0.00003; gnomAD exomes 0.00003; TOPMed 0.00003; ESP Exome Variant Server 0.00008.
gnomAD v4.1: 46 of 1,613,262 alleles (0.0029%); highest among the groups gnomAD compares: Non-Finnish European, 0.0034%; no homozygotes.

Submissions (2):

Ambry Genetics
Classification: Uncertain significance for Inborn genetic diseases. Last evaluated: 2025-08-27. Review status: criteria provided, single submitter. Criteria: Ambry Variant Classification Scheme 2023. Collection method: clinical testing. Allele origin: germline.

Labcorp Genetics (formerly Invitae), Labcorp
Classification: Uncertain significance. Last evaluated: 2023-09-26. Review status: criteria provided, single submitter. Criteria: Invitae Variant Classification Sherloc (09022015). Collection method: clinical testing. Allele origin: germline.
Comment: This sequence change replaces threonine, which is neutral and polar, with isoleucine, which is neutral and non-polar, at codon 787 of the HDAC4 protein (p.Thr787Ile). This variant is present in population databases (rs376225243, gnomAD 0.003%). This variant has not been reported in the literature in individuals affected with HDAC4-related conditions. Advanced modeling of protein sequence and biophysical properties (such as structural, functional, and spatial information, amino acid conservation, physicochemical variation, residue mobility, and thermodynamic stability) performed at Invitae indicates that this missense variant is expected to disrupt HDAC4 protein function. In summary, the available evidence is currently insufficient to determine the role of this variant in disease. Therefore, it has been classified as a Variant of Uncertain Significance.

NM_001378414.1(HDAC4):c.2375C>T (p.Thr792Ile)

Gene: HDAC4 (histone deacetylase 4; minus strand). Cytogenetic location: 2q37.3.
Variant type: single nucleotide variant.
Coding change: c.2375C>T on transcript NM_001378414.1 (MANE Select); coding-DNA position 2375, C replaced by T.
Protein change: p.Thr792Ile; replaces threonine 792 with isoleucine.
Molecular consequence: missense variant.
Genome position (GRCh38, 1-based): chr2:239,090,022, G>A on the plus strand (C>T on the coding strand, the complement: HDAC4 is on the minus strand). VCF-style: chr2-239090022-G-A. GRCh37 (hg19) VCF-style: chr2-240011718-G-A.
Other names: c.2360C>T (NM_006037.3); c.2375C>T, p.Thr792Ile (NM_001378415.1); c.2360C>T, p.Thr787Ile (NM_001378416.1, NM_001378417.1, NM_006037.4); short protein forms T787I, T792I.
Identifiers: ClinVar variation 2721354 (VCV002721354.4), dbSNP rs376225243, ClinGen allele CA2199444.